The following is an entry in ClinVar:

NM_001042492.3(NF1):c.2002-1G>A

Gene: NF1 (neurofibromin 1; plus strand). Cytogenetic location: 17q11.2.
Variant type: single nucleotide variant.
Coding change: c.2002-1G>A on transcript NM_001042492.3 (MANE Select); the canonical splice acceptor site of the intron before coding-DNA position 2002, G replaced by A.
Molecular consequence: splice acceptor variant.
Genome position (GRCh38, 1-based): chr17:31,226,434, G>A. VCF-style: chr17-31226434-G-A. GRCh37 (hg19) VCF-style: chr17-29553452-G-A.
Other names: c.2002-1G>A (NM_000267.4).
Identifiers: ClinVar variation 488815 (VCV000488815.10), dbSNP rs1555613743, ClinGen allele CA398981984.

ClinVar aggregate classification (germline): Pathogenic. Review status: criteria provided, multiple submitters, no conflicts (2 of 4 stars). 4 submissions from 4 submitters: Pathogenic (4). Last evaluated 2023-11-01.

Conditions:
Neurofibromatosis, type 1 (NF1). Also called: NEUROFIBROMATOSIS, TYPE I, SOMATIC; VON RECKLINGHAUSEN DISEASE; Neurofibromatosis, type I; Peripheral type neurofibromatosis. Identifiers: Orphanet 636, MedGen C0027831, MONDO:0018975, OMIM 162200. Disease mechanism: loss of function.

Submissions (4):

Labcorp Genetics (formerly Invitae), Labcorp
Classification: Pathogenic for Neurofibromatosis, type 1. Last evaluated: 2023-11-01. Review status: criteria provided, single submitter. Criteria: Invitae Variant Classification Sherloc (09022015). Collection method: clinical testing. Allele origin: germline.
Comment: This sequence change affects an acceptor splice site in intron 17 of the NF1 gene. It is expected to disrupt RNA splicing. Variants that disrupt the donor or acceptor splice site typically lead to a loss of protein function (PMID: 16199547), and loss-of-function variants in NF1 are known to be pathogenic (PMID: 10712197, 23913538). This variant is not present in population databases (gnomAD no frequency). Disruption of this splice site has been observed in individual(s) with NF1-related conditions (PMID: 16944272, 31370276). ClinVar contains an entry for this variant (Variation ID: 488815). Algorithms developed to predict the effect of sequence changes on RNA splicing suggest that this variant may disrupt the consensus splice site. For these reasons, this variant has been classified as Pathogenic.

Genome-Nilou Lab
Classification: Pathogenic for Neurofibromatosis, type 1. Last evaluated: 2022-03-15. Review status: criteria provided, single submitter. Criteria: ACMG Guidelines, 2015. Collection method: clinical testing. Allele origin: germline. Affected: no.

GeneDx
Classification: Pathogenic. Last evaluated: 2017-12-27. Review status: criteria provided, single submitter. Criteria: GeneDx Variant Classification (06012015). Collection method: clinical testing. Allele origin: germline. Affected: yes.
Comment: The c.2002-1G>A splice site variant in the NF1 gene has been previously reported in at least one individual with a clinical diagnosis of neurofibromatosis type 1 (Griffiths et al., 2007). This pathogenic variant destroys the canonical splice acceptor site in intron 17, and is expected to cause abnormal gene splicing. The c.2002-1G>A variant is not observed in large population cohorts (Lek et al., 2016). Based on currently available evidence, we consider c.2002-1G>A to be pathogenic.

Center for Human Genetics, Inc
Classification: Pathogenic for Neurofibromatosis, type 1. Last evaluated: 2016-11-01. Review status: criteria provided, single submitter. Criteria: ACMG Guidelines, 2015. Collection method: clinical testing. Allele origin: germline. Affected: yes.

Literature cited by the submitters: PubMed 16199547 (cited by Labcorp Genetics (formerly Invitae), Labcorp); PubMed 10712197 (cited by Labcorp Genetics (formerly Invitae), Labcorp); PubMed 23913538 (cited by Labcorp Genetics (formerly Invitae), Labcorp); PubMed 16944272 (cited by Labcorp Genetics (formerly Invitae), Labcorp); PubMed 31370276 (cited by Labcorp Genetics (formerly Invitae), Labcorp).